The following is an entry in ClinVar:

ClinVar aggregate classification (germline): Uncertain significance (1 of 4 stars; one submission).

Conditions:
Bardet-Biedl syndrome (BBS). Identifiers: Orphanet 110, MedGen C0752166, MONDO:0015229.

Allele frequency attached by ClinVar (database versions not stated): gnomAD exomes below 0.00001.
gnomAD v4.1: 3 of 1,613,618 alleles (0.00019%); highest among the groups gnomAD compares: South Asian, 0.0033%; no homozygotes.

Submission:

Labcorp Genetics (formerly Invitae), Labcorp
Classification: Uncertain significance for Bardet-Biedl syndrome. Last evaluated: 2025-03-17. Review status: criteria provided, single submitter. Criteria: Invitae Variant Classification Sherloc (09022015). Collection method: clinical testing. Allele origin: germline.
Comment: This sequence change replaces isoleucine, which is neutral and non-polar, with leucine, which is neutral and non-polar, at codon 250 of the BBS5 protein (p.Ile250Leu). This variant is not present in population databases (gnomAD no frequency). This variant has not been reported in the literature in individuals affected with BBS5-related conditions. ClinVar contains an entry for this variant (Variation ID: 1059877). Invitae Evidence Modeling of protein sequence and biophysical properties (such as structural, functional, and spatial information, amino acid conservation, physicochemical variation, residue mobility, and thermodynamic stability) indicates that this missense variant is not expected to disrupt BBS5 protein function with a negative predictive value of 80%. In summary, the available evidence is currently insufficient to determine the role of this variant in disease. Therefore, it has been classified as a Variant of Uncertain Significance.

NM_152384.3(BBS5):c.748A>C (p.Ile250Leu)

Gene: BBS5 (Bardet-Biedl syndrome 5; plus strand). Cytogenetic location: 2q31.1.
Variant type: single nucleotide variant.
Coding change: c.748A>C on transcript NM_152384.3 (MANE Select); coding-DNA position 748, A replaced by C.
Protein change: p.Ile250Leu; replaces isoleucine 250 with leucine.
Molecular consequence: missense variant.
Genome position (GRCh38, 1-based): chr2:169,499,552, A>C. VCF-style: chr2-169499552-A-C. GRCh37 (hg19) VCF-style: chr2-170356062-A-C.
Other names: short protein forms I250L.
Identifiers: ClinVar variation 1059877 (VCV001059877.9), dbSNP rs2105301621, ClinGen allele CA349167259.